The following is an entry in ClinVar:

NM_000810.4(GABRA5):c.726C>T (p.Gly242=)

Gene: GABRA5 (gamma-aminobutyric acid type A receptor subunit alpha5; plus strand). Cytogenetic location: 15q12.
Variant type: single nucleotide variant.
Coding change: c.726C>T on transcript NM_000810.4 (MANE Select); coding-DNA position 726, C replaced by T.
Protein change: p.Gly242=; no amino-acid change (glycine 242 retained).
Molecular consequence: synonymous variant.
Genome position (GRCh38, 1-based): chr15:26,939,926, C>T. VCF-style: chr15-26939926-C-T. GRCh37 (hg19) VCF-style: chr15-27185073-C-T.
Other names: NC_000015.9:g.27185073C>T; c.726C>T, p.Gly242= (NM_001165037.2).
Identifiers: ClinVar variation 4401077 (VCV004401077.6).

ClinVar aggregate classification (germline): Likely benign (1 of 4 stars; one submission).

gnomAD v4.1: 131 of 1,613,838 alleles (0.0081%); highest among the groups gnomAD compares: East Asian, 0.14%; 1 homozygote.

Submissions (2):

CeGaT Center for Human Genetics Tuebingen
Classification: Likely benign. Last evaluated: 2025-12-01. Review status: criteria provided, single submitter. Criteria: CeGaT Center For Human Genetics Tuebingen Variant Classification Criteria Version 2. Collection method: clinical testing. Allele origin: germline. Affected: yes. Observed: 1 variant allele.
Comment: GABRA5: BP4, BP7

Dr. Peter K. Rogan Lab, Western University
No classification provided (evidence only). Condition: Gastric cancer. Review status: no classification provided. Collection method: in vitro. Allele origin: not applicable. Functional consequence: retained intron. Not counted in ClinVar's aggregate classification.